The following is an entry in ClinVar:

ClinVar aggregate classification (germline): Pathogenic (1 of 4 stars; one submission).

Conditions:
Deafness-lymphedema-leukemia syndrome. Also called: Lymphedema, primary, with myelodysplasia; Emberger syndrome. Identifiers: Orphanet 3226, MedGen C3279664, MONDO:0013540, OMIM 614038.
Monocytopenia with susceptibility to infections. Also called: MONOCYTOPENIA AND MYCOBACTERIAL INFECTION SYNDROME; MONOCYTOPENIA WITH SUSCEPTIBILITY TO MYCOBACTERIAL, FUNGAL, AND PAPILLOMAVIRUS INFECTIONS AND MYELODYSPLASIA; COMBINED IMMUNODEFICIENCY WITH SUSCEPTIBILITY TO MYCOBACTERIAL, VIRAL, AND FUNGAL INFECTIONS; Dendritic cell, monocyte, B lymphocyte, and natural killer lymphocyte deficiency; GATA2 DEFICIENCY; IMMUNODEFICIENCY 21. Identifiers: Orphanet 228423, MedGen C3280030, MONDO:0013607, OMIM 614172.

Submission:

Labcorp Genetics (formerly Invitae), Labcorp
Classification: Pathogenic for Monocytopenia with susceptibility to infections; Deafness-lymphedema-leukemia syndrome. Last evaluated: 2022-01-27. Review status: criteria provided, single submitter. Criteria: Invitae Variant Classification Sherloc (09022015). Collection method: clinical testing. Allele origin: germline.
Comment: For these reasons, this variant has been classified as Pathogenic. This variant has not been reported in the literature in individuals affected with GATA2-related conditions. This variant is not present in population databases (gnomAD no frequency). This sequence change creates a premature translational stop signal (p.Ser129Leufs*56) in the GATA2 gene. It is expected to result in an absent or disrupted protein product. Loss-of-function variants in GATA2 are known to be pathogenic (PMID: 21670465, 23223431).

Literature cited by the submitters: PubMed 21670465; PubMed 23223431.

NM_032638.5(GATA2):c.384dup (p.Ser129fs)

Gene: GATA2 (GATA binding protein 2; minus strand). Cytogenetic location: 3q21.3.
Variant type: Duplication.
Coding change: c.384dup on transcript NM_032638.5 (MANE Select); coding-DNA position 384, one base duplicated (C; older notation c.384dupC).
Protein change: p.Ser129fs; shifts the reading frame from serine 129.
Molecular consequence: frameshift variant.
Genome position (GRCh38, 1-based): chr3:128,486,214, G duplicated on the plus strand (C on the coding strand, the reverse complement: GATA2 is on the minus strand); the first of 4 consecutive G bases (chr3:128,486,214-128,486,217); duplicating any one gives the same sequence. VCF-style (leftmost placement, unchanged base first): chr3-128486213-A-AG. GRCh37 (hg19) VCF-style: chr3-128205056-A-AG.
Other names: c.384dup, p.Ser129fs (NM_001145661.2, NM_001145662.1); short protein forms S129fs.
Identifiers: ClinVar variation 2090522 (VCV002090522.4), dbSNP rs2472931721, ClinGen allele CA2580068753.